The following is an entry in ClinVar:

ClinVar aggregate classification (germline): Likely benign. Review status: criteria provided, multiple submitters, no conflicts (2 of 4 stars). 2 submissions from 2 submitters: Likely benign (2). Last evaluated 2025-11-17.

Allele frequency attached by ClinVar (database versions not stated): gnomAD 0.00001; ExAC 0.00014.
gnomAD v4.1: 52 of 1,582,532 alleles (0.0033%); highest among the groups gnomAD compares: Non-Finnish European, 0.0028%; no homozygotes.

Submissions (2):

Labcorp Genetics (formerly Invitae), Labcorp
Classification: Likely benign. Last evaluated: 2025-11-17. Review status: criteria provided, single submitter. Criteria: Invitae Variant Classification Sherloc (09022015). Collection method: clinical testing. Allele origin: germline.

CeGaT Center for Human Genetics Tuebingen
Classification: Likely benign. Last evaluated: 2024-07-01. Review status: criteria provided, single submitter. Criteria: CeGaT Center For Human Genetics Tuebingen Variant Classification Criteria Version 2. Collection method: clinical testing. Allele origin: germline. Affected: yes. Observed: 1 variant allele.
Comment: ISCA2: BP4, BP7

NM_194279.4(ISCA2):c.144G>A (p.Gly48=)

Gene: ISCA2 (iron-sulfur cluster assembly 2; plus strand). Cytogenetic location: 14q24.3.
Variant type: single nucleotide variant.
Coding change: c.144G>A on transcript NM_194279.4 (MANE Select); coding-DNA position 144, G replaced by A.
Protein change: p.Gly48=; no amino-acid change (glycine 48 retained).
Molecular consequence: synonymous variant.
Genome position (GRCh38, 1-based): chr14:74,494,122, G>A. VCF-style: chr14-74494122-G-A. GRCh37 (hg19) VCF-style: chr14-74960825-G-A.
Other names: c.144G>A, p.Gly48= (NM_001272007.2).
Identifiers: ClinVar variation 2418057 (VCV002418057.24), dbSNP rs772277095, ClinGen allele CA7268271.
Genomic context (GRCh38, chr14:74,494,122, plus strand): 5'-CTCCCTGGGACCCCAGGCGCGTCGGGAGGCGTCGTCCTCCAGCCCCGAGGCCGGCGAAGG[G>A]CAGATCCGCCTCACAGACAGTTGCGTCCAGGTAGGAGGCCGGACGCGGAGCGGCGGTACC-3'
Protein context (NP_919255.2, residues 38-58): ASSSSPEAGE[Gly48=]QIRLTDSCVQ